The following is an entry in ClinVar:

ClinVar aggregate classification (germline): Uncertain significance (1 of 4 stars; one submission).

Conditions:
Intellectual developmental disorder, autosomal dominant 64. Also called: MENTAL RETARDATION, AUTOSOMAL DOMINANT 64. Identifiers: MedGen C5543067, MONDO:0030934, OMIM 619188.

gnomAD v4.1: 1 of 1,613,500 alleles (0.000062%); highest among the groups gnomAD compares: Middle Eastern, 0.017%; no homozygotes.

Submission:

Dasa
Classification: Uncertain significance for Intellectual developmental disorder, autosomal dominant 64. Last evaluated: 2024-10-23. Review status: criteria provided, single submitter. Criteria: DASA Assertion Criteria. Collection method: clinical testing. Allele origin: germline.
Comment: NM_015021.3(ZNF292):c.5411A>G (p.Asn1804Ser) is a missense variant that results in the substitution of asparagine with serine. This variant is rare in population databases. Computational prediction algorithms are consistent with a benign effect. The currently available literature and clinical evidence are not sufficient to establish a definitive association between this variant and the reported condition. Therefore, this variant is classified as a variant of uncertain significance.

NM_015021.3(ZNF292):c.5411A>G (p.Asn1804Ser)

Gene: ZNF292 (zinc finger protein 292; plus strand). Cytogenetic location: 6q14.3.
Variant type: single nucleotide variant.
Coding change: c.5411A>G on transcript NM_015021.3 (MANE Select); coding-DNA position 5411, A replaced by G.
Protein change: p.Asn1804Ser; replaces asparagine 1804 with serine.
Molecular consequence: missense variant.
Genome position (GRCh38, 1-based): chr6:87,259,040, A>G. VCF-style: chr6-87259040-A-G. GRCh37 (hg19) VCF-style: chr6-87968758-A-G.
Other names: c.4991A>G, p.Asn1664Ser (NM_001351444.2); short protein forms N1664S, N1804S.
Identifiers: ClinVar variation 4881142 (VCV004881142.2).